The following is an entry in ClinVar:

ClinVar aggregate classification (germline): Benign (1 of 4 stars; one submission).

Allele frequency attached by ClinVar (database versions not stated): TOPMed 0.06510; gnomAD 0.06623 and 0.06887; 1000 Genomes Project 30x 0.09229; 1000 Genomes Project 0.09744.
gnomAD v4.1: 10,481 of 152,226 alleles (6.9%); highest among the groups gnomAD compares: East Asian, 15%; 428 homozygotes.

Submission:

GeneDx
Classification: Benign. Last evaluated: 2018-06-19. Review status: criteria provided, single submitter. Criteria: GeneDx Variant Classification (06012015). Collection method: clinical testing. Allele origin: germline. Affected: yes.
Comment: This variant is considered likely benign or benign based on one or more of the following criteria: it is a conservative change, it occurs at a poorly conserved position in the protein, it is predicted to be benign by multiple in silico algorithms, and/or has population frequency not consistent with disease.

NM_000302.4(PLOD1):c.579+274G>A

Gene: PLOD1 (procollagen-lysine,2-oxoglutarate 5-dioxygenase 1; plus strand). Cytogenetic location: 1p36.22.
Variant type: single nucleotide variant.
Coding change: c.579+274G>A on transcript NM_000302.4 (MANE Select); 274 bases into the intron after coding-DNA position 579, G replaced by A.
Molecular consequence: intron variant.
Genome position (GRCh38, 1-based): chr1:11,953,009, G>A. VCF-style: chr1-11953009-G-A. GRCh37 (hg19) VCF-style: chr1-12013066-G-A.
Other names: c.720+274G>A (NM_001316320.2).
Identifiers: ClinVar variation 669465 (VCV000669465.1), dbSNP rs72641005, ClinGen allele CA18000499.